The following is an entry in ClinVar:

NM_000834.5(GRIN2B):c.2821T>C (p.Phe941Leu)

Gene: GRIN2B (glutamate ionotropic receptor NMDA type subunit 2B; minus strand). Cytogenetic location: 12p13.1.
Variant type: single nucleotide variant.
Coding change: c.2821T>C on transcript NM_000834.5 (MANE Select); coding-DNA position 2821, T replaced by C.
Protein change: p.Phe941Leu; replaces phenylalanine 941 with leucine.
Molecular consequence: missense variant.
Genome position (GRCh38, 1-based): chr12:13,564,417, A>G on the plus strand (T>C on the coding strand, the complement: GRIN2B is on the minus strand). VCF-style: chr12-13564417-A-G. GRCh37 (hg19) VCF-style: chr12-13717351-A-G.
Other names: c.2821T>C, p.Phe941Leu (NM_001413992.1); short protein forms F941L.
Identifiers: ClinVar variation 4789474 (VCV004789474.1).

ClinVar aggregate classification (germline): Uncertain significance (1 of 4 stars; one submission).

Conditions:
Developmental and epileptic encephalopathy, 27 (DEE27). Also called: Epileptic encephalopathy, early infantile, 27; GRIN2B-Related Neurodevelopmental Disorder. Identifiers: Orphanet 3451, MedGen C4015316, MONDO:0014505, OMIM 616139.
Intellectual developmental disorder, autosomal dominant 6, with or without seizures. Also called: Intellectual disability, autosomal dominant 6; GRIN2B-related developmental delay, intellectual disability and autism spectrum disorder. Identifiers: Orphanet 589547, MedGen C3151411, MONDO:0013509, OMIM 613970.

Submission:

Labcorp Genetics (formerly Invitae), Labcorp
Classification: Uncertain significance for Developmental and epileptic encephalopathy, 27; Intellectual developmental disorder, autosomal dominant 6, with or without seizures. Last evaluated: 2025-09-10. Review status: criteria provided, single submitter. Criteria: Invitae Variant Classification Sherloc (09022015). Collection method: clinical testing. Allele origin: germline.
Comment: This sequence change replaces phenylalanine, which is neutral and non-polar, with leucine, which is neutral and non-polar, at codon 941 of the GRIN2B protein (p.Phe941Leu). This variant is not present in population databases (gnomAD no frequency). This variant has not been reported in the literature in individuals affected with GRIN2B-related conditions. Invitae Evidence Modeling of protein sequence and biophysical properties (such as structural, functional, and spatial information, amino acid conservation, physicochemical variation, residue mobility, and thermodynamic stability) indicates that this missense variant is not expected to disrupt GRIN2B protein function with a negative predictive value of 95%. In summary, the available evidence is currently insufficient to determine the role of this variant in disease. Therefore, it has been classified as a Variant of Uncertain Significance.